The following is an entry in ClinVar:

NM_001164405.2(BHLHA9):c.606G>A (p.Gly202=)

Gene: BHLHA9 (basic helix-loop-helix family member a9; plus strand). Cytogenetic location: 17p13.3.
Variant type: single nucleotide variant.
Coding change: c.606G>A on transcript NM_001164405.2 (MANE Select); coding-DNA position 606, G replaced by A.
Protein change: p.Gly202=; no amino-acid change (glycine 202 retained).
Molecular consequence: synonymous variant.
Genome position (GRCh38, 1-based): chr17:1,271,169, G>A. VCF-style: chr17-1271169-G-A. GRCh37 (hg19) VCF-style: chr17-1174463-G-A.
Identifiers: ClinVar variation 1675651 (VCV001675651.33), dbSNP rs1471376460, ClinGen allele CA497275335.

ClinVar aggregate classification (germline): Likely benign (1 of 4 stars; one submission).

Allele frequency attached by ClinVar (database versions not stated): gnomAD exomes 0.00001; TOPMed 0.00002; gnomAD 0.00006.

Submission:

CeGaT Center for Human Genetics Tuebingen
Classification: Likely benign. Last evaluated: 2022-03-01. Review status: criteria provided, single submitter. Criteria: CeGaT Center For Human Genetics Tuebingen Variant Classification Criteria Version 2. Collection method: clinical testing. Allele origin: germline. Affected: yes. Observed: 1 variant allele.
Comment: BHLHA9: BP4, BP7